The following is an entry in ClinVar:

NM_002734.5(PRKAR1A):c.581T>A (p.Val194Asp)

Gene: PRKAR1A (protein kinase cAMP-dependent type I regulatory subunit alpha; plus strand). Cytogenetic location: 17q24.2.
Variant type: single nucleotide variant.
Coding change: c.581T>A on transcript NM_002734.5 (MANE Select); coding-DNA position 581, T replaced by A.
Protein change: p.Val194Asp; replaces valine 194 with aspartic acid.
Molecular consequence: missense variant.
Genome position (GRCh38, 1-based): chr17:68,525,785, T>A. VCF-style: chr17-68525785-T-A. GRCh37 (hg19) VCF-style: chr17-66521926-T-A.
Other names: c.581T>A, p.Val194Asp (NM_001276289.2, NM_001276290.1, NM_001278433.2 and 4 more transcripts); short protein forms V194D.
Identifiers: ClinVar variation 1464130 (VCV001464130.8), dbSNP rs2143322094, ClinGen allele CA400753120.

ClinVar aggregate classification (germline): Uncertain significance (1 of 4 stars; one submission).

Conditions:
Carney complex, type 1 (CNC1). Also called: CARNEY MYXOMA-ENDOCRINE COMPLEX; CARNEY COMPLEX, TYPE I. Identifiers: Orphanet 1359, MedGen C2607929, MONDO:0008057, OMIM 160980.

Submission:

Labcorp Genetics (formerly Invitae), Labcorp
Classification: Uncertain significance for Carney complex, type 1. Last evaluated: 2021-05-04. Review status: criteria provided, single submitter. Criteria: Invitae Variant Classification Sherloc (09022015). Collection method: clinical testing. Allele origin: germline.
Comment: This sequence change replaces valine with aspartic acid at codon 194 of the PRKAR1A protein (p.Val194Asp). The valine residue is moderately conserved and there is a large physicochemical difference between valine and aspartic acid. In summary, the available evidence is currently insufficient to determine the role of this variant in disease. Therefore, it has been classified as a Variant of Uncertain Significance. Algorithms developed to predict the effect of missense changes on protein structure and function are either unavailable or do not agree on the potential impact of this missense change (SIFT: "Deleterious"; PolyPhen-2: "Benign"; Align-GVGD: "Class C0"). This variant has not been reported in the literature in individuals with PRKAR1A-related conditions. This variant is not present in population databases (ExAC no frequency).